The following is an entry in ClinVar:

ClinVar aggregate classification (germline): Uncertain significance (1 of 4 stars; one submission).

Conditions:
Multiple endocrine neoplasia, type 1 (MEN1). Also called: MEN I; WERMER SYNDROME; Endocrine adenomatosis multiple; MEN 1; MEA I. Identifiers: Orphanet 652, MedGen C0025267, MeSH D018761, MONDO:0007540, OMIM 131100.

Submission:

Labcorp Genetics (formerly Invitae), Labcorp
Classification: Uncertain significance for Multiple endocrine neoplasia, type 1. Last evaluated: 2023-08-17. Review status: criteria provided, single submitter. Criteria: Invitae Variant Classification Sherloc (09022015). Collection method: clinical testing. Allele origin: germline.
Comment: This sequence change replaces glutamic acid, which is acidic and polar, with alanine, which is neutral and non-polar, at codon 359 of the MEN1 protein (p.Glu359Ala). This variant is not present in population databases (gnomAD no frequency). This variant has not been reported in the literature in individuals affected with MEN1-related conditions. ClinVar contains an entry for this variant (Variation ID: 1714244). Advanced modeling of protein sequence and biophysical properties (such as structural, functional, and spatial information, amino acid conservation, physicochemical variation, residue mobility, and thermodynamic stability) performed at Invitae indicates that this missense variant is expected to disrupt MEN1 protein function. In summary, the available evidence is currently insufficient to determine the role of this variant in disease. Therefore, it has been classified as a Variant of Uncertain Significance.

NM_001370259.2(MEN1):c.1076A>C (p.Glu359Ala)

Gene: MEN1 (menin 1; minus strand). Cytogenetic location: 11q13.1.
Variant type: single nucleotide variant.
Coding change: c.1076A>C on transcript NM_001370259.2 (MANE Select); coding-DNA position 1076, A replaced by C.
Protein change: p.Glu359Ala; replaces glutamic acid 359 with alanine.
Molecular consequence: missense variant.
Genome position (GRCh38, 1-based): chr11:64,805,744, T>G on the plus strand (A>C on the coding strand, the complement: MEN1 is on the minus strand). VCF-style: chr11-64805744-T-G. GRCh37 (hg19) VCF-style: chr11-64573216-T-G.
Other names: c.1091A>C, p.Glu364Ala (NM_000244.4, NM_130800.3, NM_130801.3 and 4 more transcripts); c.1202A>C, p.Glu401Ala (NM_001370251.2, NM_001407142.1, NM_001407143.1 and 1 more transcripts); c.1076A>C, p.Glu359Ala (NM_001370260.2, NM_001370261.2, NM_130799.3 and 3 more transcripts); c.971A>C, p.Glu324Ala (NM_001370262.2, NM_001370263.2, NM_001407148.1 and 1 more transcripts); c.1217A>C, p.Glu406Ala (NM_001407150.1); c.1097A>C, p.Glu366Ala (NM_001407151.1); short protein forms E324A, E359A, E364A, E366A, E401A, E406A.
Identifiers: ClinVar variation 1714244 (VCV001714244.5), dbSNP rs2136110687, ClinGen allele CA381182806.